The following is an entry in ClinVar:

ClinVar aggregate classification (germline): Uncertain significance (1 of 4 stars; one submission).

Allele frequency attached by ClinVar (database versions not stated): gnomAD exomes below 0.00001.
gnomAD v4.1: 3 of 1,613,562 alleles (0.00019%); highest among the groups gnomAD compares: Non-Finnish European, 0.000085%; no homozygotes.

Submission:

Labcorp Genetics (formerly Invitae), Labcorp
Classification: Uncertain significance. Last evaluated: 2023-10-11. Review status: criteria provided, single submitter. Criteria: Invitae Variant Classification Sherloc (09022015). Collection method: clinical testing. Allele origin: germline.
Comment: This sequence change replaces cysteine, which is neutral and slightly polar, with serine, which is neutral and polar, at codon 108 of the STAT4 protein (p.Cys108Ser). This variant is not present in population databases (gnomAD no frequency). This variant has not been reported in the literature in individuals affected with STAT4-related conditions. ClinVar contains an entry for this variant (Variation ID: 1922193). Advanced modeling of protein sequence and biophysical properties (such as structural, functional, and spatial information, amino acid conservation, physicochemical variation, residue mobility, and thermodynamic stability) performed at Invitae indicates that this missense variant is not expected to disrupt STAT4 protein function. In summary, the available evidence is currently insufficient to determine the role of this variant in disease. Therefore, it has been classified as a Variant of Uncertain Significance.

NM_003151.4(STAT4):c.323G>C (p.Cys108Ser)

Gene: STAT4 (signal transducer and activator of transcription 4; minus strand). Cytogenetic location: 2q32.2.
Variant type: single nucleotide variant.
Coding change: c.323G>C on transcript NM_003151.4 (MANE Select); coding-DNA position 323, G replaced by C.
Protein change: p.Cys108Ser; replaces cysteine 108 with serine.
Molecular consequence: missense variant.
Genome position (GRCh38, 1-based): chr2:191,076,276, C>G on the plus strand (G>C on the coding strand, the complement: STAT4 is on the minus strand). VCF-style: chr2-191076276-C-G. GRCh37 (hg19) VCF-style: chr2-191941002-C-G.
Other names: c.323G>C, p.Cys108Ser (NM_001243835.2); short protein forms C108S.
Identifiers: ClinVar variation 1922193 (VCV001922193.5), dbSNP rs1697316431, ClinGen allele CA349920525.